The following is an entry in ClinVar:

ClinVar aggregate classification (germline): Uncertain significance (1 of 4 stars; one submission).

Conditions:
Werner syndrome (WRN). Identifiers: Orphanet 902, MedGen C0043119, MONDO:0010196, OMIM 277700.

Submission:

Labcorp Genetics (formerly Invitae), Labcorp
Classification: Uncertain significance for Werner syndrome. Last evaluated: 2024-04-22. Review status: criteria provided, single submitter. Criteria: Invitae Variant Classification Sherloc (09022015). Collection method: clinical testing. Allele origin: germline.
Comment: This sequence change replaces aspartic acid, which is acidic and polar, with tyrosine, which is neutral and polar, at codon 249 of the WRN protein (p.Asp249Tyr). This variant is not present in population databases (gnomAD no frequency). This variant has not been reported in the literature in individuals affected with WRN-related conditions. ClinVar contains an entry for this variant (Variation ID: 1400044). An algorithm developed to predict the effect of missense changes on protein structure and function (PolyPhen-2) suggests that this variant is likely to be disruptive. In summary, the available evidence is currently insufficient to determine the role of this variant in disease. Therefore, it has been classified as a Variant of Uncertain Significance.

NM_000553.6(WRN):c.745G>T (p.Asp249Tyr)

Gene: WRN (WRN RecQ like helicase; plus strand). Cytogenetic location: 8p12.
Variant type: single nucleotide variant.
Coding change: c.745G>T on transcript NM_000553.6 (MANE Select); coding-DNA position 745, G replaced by T.
Protein change: p.Asp249Tyr; replaces aspartic acid 249 with tyrosine.
Molecular consequence: missense variant.
Genome position (GRCh38, 1-based): chr8:31,076,193, G>T. VCF-style: chr8-31076193-G-T. GRCh37 (hg19) VCF-style: chr8-30933709-G-T.
Other names: short protein forms D249Y.
Identifiers: ClinVar variation 1400044 (VCV001400044.6), dbSNP rs758055295, ClinGen allele CA370918365.
Genomic context (GRCh38, chr8:31,076,193, plus strand): 5'-TTGTGGTTTGAAAATTAATATTGATTTTTTTTCCCCCTAGAGGAAGAAATCCTACTTAGC[G>T]ACATGAACAAACAGTTGACTTCAATCTCTGAGGAAGTGATGGATCTGGCTAAGCATCTTC-3'
Protein context (NP_000544.2, residues 239-259): INKEEEILLS[Asp249Tyr]MNKQLTSISE